The following is an entry in ClinVar:

ClinVar aggregate classification (germline): Likely benign. Review status: criteria provided, multiple submitters, no conflicts (2 of 4 stars). 4 submissions from 4 submitters: Likely benign (4). Last evaluated 2025-10-22.

Conditions:
Developmental and epileptic encephalopathy, 69. Also called: EPILEPTIC ENCEPHALOPATHY, EARLY INFANTILE, 69. Identifiers: MedGen C4748988, MONDO:0032657, OMIM 618285.

Allele frequency attached by ClinVar (database versions not stated): gnomAD exomes 0.00015 and 0.00018; ESP Exome Variant Server 0.00016; ExAC 0.00018; gnomAD 0.00021; TOPMed 0.00022; 1000 Genomes Project 0.00040; 1000 Genomes Project 30x 0.00047.
gnomAD v4.1: 295 of 1,613,836 alleles (0.018%); highest among the groups gnomAD compares: Admixed American, 0.025%; no homozygotes.

Submissions (4):

Labcorp Genetics (formerly Invitae), Labcorp
Classification: Likely benign. Last evaluated: 2025-10-22. Review status: criteria provided, single submitter. Criteria: Invitae Variant Classification Sherloc (09022015). Collection method: clinical testing. Allele origin: germline.

Blueprint Genetics
Classification: Likely benign. Last evaluated: 2024-09-06. Review status: criteria provided, single submitter. Criteria: ACMG Guidelines, 2015. Collection method: clinical testing. Allele origin: germline.

Genome-Nilou Lab
Classification: Likely benign for Developmental and epileptic encephalopathy, 69. Last evaluated: 2023-04-11. Review status: criteria provided, single submitter. Criteria: ACMG Guidelines, 2015. Collection method: clinical testing. Allele origin: germline. Affected: no.

CeGaT Center for Human Genetics Tuebingen
Classification: Likely benign. Last evaluated: 2022-05-01. Review status: criteria provided, single submitter. Criteria: CeGaT Center For Human Genetics Tuebingen Variant Classification Criteria Version 2. Collection method: clinical testing. Allele origin: germline. Affected: yes. Observed: 1 variant allele.
Comment: CACNA1E: BP4, BP7

NM_001205293.3(CACNA1E):c.3540G>A (p.Ser1180=)

Gene: CACNA1E (calcium voltage-gated channel subunit alpha1 E; plus strand). Cytogenetic location: 1q25.3.
Variant type: single nucleotide variant.
Coding change: c.3540G>A on transcript NM_001205293.3 (MANE Select); coding-DNA position 3540, G replaced by A.
Protein change: p.Ser1180=; no amino-acid change (serine 1180 retained).
Molecular consequence: synonymous variant.
Genome position (GRCh38, 1-based): chr1:181,737,642, G>A. VCF-style: chr1-181737642-G-A. GRCh37 (hg19) VCF-style: chr1-181706778-G-A.
Other names: c.3540G>A, p.Ser1180= (NM_000721.4); c.3483G>A, p.Ser1161= (NM_001205294.2).
Identifiers: ClinVar variation 1640682 (VCV001640682.33), dbSNP rs376599965, ClinGen allele CA1275586.